The following is an entry in ClinVar:

ClinVar aggregate classification (germline): Uncertain significance. Review status: criteria provided, multiple submitters, no conflicts (2 of 4 stars). 2 submissions from 2 submitters: Uncertain significance (2). Last evaluated 2023-02-14.

Conditions:
Inborn genetic diseases. Identifiers: MedGen C0950123, MeSH D030342.
Hereditary spastic paraplegia 11. Also called: Spastic paraplegia, mental retardation and thin corpus callosum; Nakamura Osame syndrome; Autosomal recessive hereditary spastic paraplegia, mental impairment, and thin corpus callosum; SPASTIC PARAPLEGIA, AUTOSOMAL RECESSIVE, COMPLICATED, WITH THIN CORPUS CALLOSUM; SPASTIC PARAPLEGIA, AUTOSOMAL RECESSIVE, WITH MENTAL IMPAIRMENT AND THIN CORPUS CALLOSUM; Spastic Paraplegia 11. Identifiers: Orphanet 2822, MedGen C1858479, MONDO:0011445, OMIM 604360.

Allele frequency attached by ClinVar (database versions not stated): ExAC 0.00001; gnomAD 0.00001; gnomAD exomes 0.00001; TOPMed 0.00001.
gnomAD v4.1: 8 of 1,613,944 alleles (0.0005%); highest among the groups gnomAD compares: Non-Finnish European, 0.00068%; no homozygotes.

Submissions (2):

Ambry Genetics
Classification: Uncertain significance for Inborn genetic diseases. Last evaluated: 2023-02-14. Review status: criteria provided, single submitter. Criteria: Ambry Variant Classification Scheme 2023. Collection method: clinical testing. Allele origin: germline.

Labcorp Genetics (formerly Invitae), Labcorp
Classification: Uncertain significance for Hereditary spastic paraplegia 11. Last evaluated: 2022-04-28. Review status: criteria provided, single submitter. Criteria: Invitae Variant Classification Sherloc (09022015). Collection method: clinical testing. Allele origin: germline.
Comment: This sequence change replaces alanine, which is neutral and non-polar, with threonine, which is neutral and polar, at codon 2238 of the SPG11 protein (p.Ala2238Thr). This variant is present in population databases (rs35504505, gnomAD 0.003%). This variant has not been reported in the literature in individuals affected with SPG11-related conditions. ClinVar contains an entry for this variant (Variation ID: 842530). Algorithms developed to predict the effect of missense changes on protein structure and function are either unavailable or do not agree on the potential impact of this missense change (SIFT: "Tolerated"; PolyPhen-2: "Possibly Damaging"; Align-GVGD: "Class C0"). In summary, the available evidence is currently insufficient to determine the role of this variant in disease. Therefore, it has been classified as a Variant of Uncertain Significance.

NM_025137.4(SPG11):c.6712G>A (p.Ala2238Thr)

Gene: SPG11 (SPG11 vesicle trafficking associated, spatacsin; minus strand). Cytogenetic location: 15q21.1.
Variant type: single nucleotide variant.
Coding change: c.6712G>A on transcript NM_025137.4 (MANE Select); coding-DNA position 6712, G replaced by A.
Protein change: p.Ala2238Thr; replaces alanine 2238 with threonine.
Molecular consequence: missense variant.
Genome position (GRCh38, 1-based): chr15:44,567,466, C>T on the plus strand (G>A on the coding strand, the complement: SPG11 is on the minus strand). VCF-style: chr15-44567466-C-T. GRCh37 (hg19) VCF-style: chr15-44859664-C-T.
Other names: c.6373G>A, p.Ala2125Thr (NM_001160227.2); short protein forms A2238T, A2125T.
Identifiers: ClinVar variation 842530 (VCV000842530.8), dbSNP rs35504505, ClinGen allele CA7534037.